The following is an entry in ClinVar:

NM_000492.4(CFTR):c.2855T>C (p.Met952Thr)

Gene: CFTR (CF transmembrane conductance regulator; plus strand). Cytogenetic location: 7q31.2.
Variant type: single nucleotide variant.
Coding change: c.2855T>C on transcript NM_000492.4 (MANE Select); coding-DNA position 2855, T replaced by C.
Protein change: p.Met952Thr; replaces methionine 952 with threonine.
Molecular consequence: missense variant.
Genome position (GRCh38, 1-based): chr7:117,603,729, T>C. VCF-style: chr7-117603729-T-C. GRCh37 (hg19) VCF-style: chr7-117243783-T-C.
Other names: short protein forms M952T.
Identifiers: ClinVar variation 53579 (VCV000053579.77), dbSNP rs142773283, ClinGen allele CA326944.
Genomic context (GRCh38, chr7:117,603,729, plus strand): 5'-TCAGAGGTCTACCACTGGTGCATACTCTAATCACAGTGTCGAAAATTTTACACCACAAAA[T>C]GTTACATTCTGTTCTTCAAGCACCTATGTCAACCCTCAACACGTTGAAAGCAGGTACTTT-3'
Protein context (NP_000483.3, residues 942-962): ITVSKILHHK[Met952Thr]LHSVLQAPMS

ClinVar aggregate classification (germline): Uncertain significance. Review status: reviewed by expert panel (3 of 4 stars). 15 submissions from 14 submitters: Uncertain significance (1). 14 of the submissions do not count toward it. Last evaluated 2019-12-20.

Conditions:
CFTR-related disorder (CFTR-RD). Also called: CFTR-related disorders; CFTR-related condition. Identifiers: MedGen C5924204, MONDO:7770004.
Inborn genetic diseases. Identifiers: MedGen C0950123, MeSH D030342.
Congenital bilateral aplasia of vas deferens from CFTR mutation (CBAVD). Identifiers: Orphanet 48, MedGen C0403814, MONDO:0010178, OMIM 277180. Disease mechanism: loss of function.
Cystic fibrosis (CF). Also called: MUCOVISCIDOSIS. Identifiers: Orphanet 586, MedGen C0010674, MONDO:0009061, OMIM 219700. Disease mechanism: loss of function.
Hereditary pancreatitis (PCTT). Also called: PRSS1-Related Hereditary Pancreatitis; Hereditary chronic pancreatitis. Identifiers: Orphanet 676, MedGen C0238339, MONDO:0008185, OMIM 167800.
Bronchiectasis with or without elevated sweat chloride 1 (BESC1). Also called: Cystic Fibrosis-Like Syndrome. Identifiers: Orphanet 60033, MedGen C2749757, MONDO:0008887, OMIM 211400.

Allele frequency attached by ClinVar (database versions not stated): gnomAD 0.00019 and 0.00017; gnomAD exomes 0.00027 and 0.00040; ESP Exome Variant Server 0.00031; ExAC 0.00034; TOPMed 0.00016.
gnomAD v4.1: 595 of 1,613,954 alleles (0.037%); highest among the groups gnomAD compares: Non-Finnish European, 0.049%; 1 homozygote.

Submissions 1 to 6 of 15:

CFTR2
Classification: Uncertain significance for Cystic fibrosis. Last evaluated: 2019-12-20. Review status: reviewed by expert panel. Criteria: Submitter's publication and website. Collection method: research. Allele origin: germline. Affected: yes.

Labcorp Genetics (formerly Invitae), Labcorp
Classification: Likely pathogenic for Cystic fibrosis. Last evaluated: 2026-02-01. Review status: criteria provided, single submitter. Criteria: Invitae Variant Classification Sherloc (09022015). Collection method: clinical testing. Allele origin: germline. Not counted in ClinVar's aggregate classification.
Comment: This sequence change replaces methionine, which is neutral and non-polar, with threonine, which is neutral and polar, at codon 952 of the CFTR protein (p.Met952Thr). This variant is present in population databases (rs142773283, gnomAD 0.05%), including at least one homozygous and/or hemizygous individual. This missense change has been observed in individuals with CFTR related disorder, chronic pancreatitis, congenital bilateral absence of the vas deferens, and/or elevated chlorine and sodium levels (PMID: 10875853, 17003641, 20977904, 25087612, 27026144, 29589582, 34949556). ClinVar contains an entry for this variant (Variation ID: 53579). Invitae Evidence Modeling of protein sequence and biophysical properties (such as structural, functional, and spatial information, amino acid conservation, physicochemical variation, residue mobility, and thermodynamic stability) indicates that this missense variant is expected to disrupt CFTR protein function with a positive predictive value of 80%. Experimental studies have shown that this missense change does not substantially affect CFTR function (PMID: 34949556). This variant disrupts the p.Met952 amino acid residue in CFTR. Other variant(s) that disrupt this residue have been determined to be pathogenic (PMID: 10200050, 15070876, 15287992, 16272798, 16980811, 21520337, 23276700). This suggests that this residue is clinically significant, and that variants that disrupt this residue are likely to be disease-causing. In summary, the currently available evidence indicates that the variant is pathogenic, but additional data are needed to prove that conclusively. Therefore, this variant has been classified as Likely Pathogenic.

Natera, Inc.
Classification: Likely pathogenic for CFTR-related disorders. Last evaluated: 2025-09-04. Review status: criteria provided, single submitter. Criteria: Natera Variant Classification Schema (03/2026). Collection method: clinical testing. Allele origin: germline. Not counted in ClinVar's aggregate classification.
Comment: The c.2855T>C variant in CFTR is a missense variant predicted to cause substitution of methionine to threonine at amino acid 952. This variant is rare in the general population with a frequency below the threshold expected for the associated phenotype(s). This variant has been observed in at least one unaffected individual, with a zygosity that is consistent with the inheritance pattern for the associated condition (in gnomAD and/or literature). This variant has been observed in one or more individuals affected with the associated recessive disease, as either homozygous or compound heterozygous with a second variant (PMID: 27026144, 24697796, 33919435). Functional studies show that this variant may disrupt protein function (PMID: 38388235). Computational prediction algorithms indicate this variant is likely to affect gene or protein function. Given the available evidence, this variant is classified as Likely Pathogenic.

Quest Diagnostics Nichols Institute San Juan Capistrano
Classification: Likely pathogenic. Last evaluated: 2025-07-16. Review status: criteria provided, single submitter. Criteria: Quest Diagnostics criteria. Collection method: clinical testing. Allele origin: unknown. Not counted in ClinVar's aggregate classification.
Comment: The CFTR c.2855T>C (p.Met952Thr) variant has been reported in the published literature in individuals affected with CFTR-related disorders (CFTR-RDs) such as aquagenic palmoplantar keratoderma (PMID: 27026144 (2016)) and congenital bilateral absence of the vas deferens (CBAVD)(PMIDs: 14551163 (2024), 10875853 (2000), 10376575 (1999)). In addition, this variant has been reported as having a deleterious effect on protein function (PMIDs: 38388235 (2024)). The frequency of this variant in the general population (Genome Aggregation Database) is uninformative in the assessment of its pathogenicity. Analysis of this variant using bioinformatics tools for the prediction of the effect of amino acid changes on protein structure and function yielded predictions that this variant is damaging. Based on the available information, this variant is classified as likely pathogenic.

Women's Health and Genetics/Laboratory Corporation of America, LabCorp
Classification: Pathogenic for Cystic fibrosis. Last evaluated: 2024-10-08. Review status: criteria provided, single submitter. Criteria: LabCorp Variant Classification Summary - May 2015. Collection method: clinical testing. Allele origin: germline. Not counted in ClinVar's aggregate classification.
Comment: Variant summary: CFTR c.2855T>C (p.Met952Thr) results in a non-conservative amino acid change located in the ABC transporter type 1, transmembrane domain (IPR011527) of the encoded protein sequence. Five of five in-silico tools predict a damaging effect of the variant on protein function. The variant allele was found at a frequency of 0.00037 in 1613954 control chromosomes in the gnomAD database, including 1 homozygote with an XX sex chromosome complement. This frequency is not significantly higher than estimated for a pathogenic variant in CFTR causing CFTR-Related Diseases (0.00037 vs 0.013). c.2855T>C has been reported in the literature in mutiple individuals affected with CFTR-Related Diseases, including pancreatitis, congenital absence of the vas deferens, and cystic fibrosis (example, Mak_1999, Casals_2000, Medza_2021, Stahl_2019, Keiles_2006, Schneider_2011). These data indicate that the variant is likely to be associated with disease. A different variant affecting the same codon has been classified as pathogenic by our lab (c.2856G>A, p.Met952Ile), supporting the critical relevance of codon 952 to CFTR protein function. At least one publication reports experimental evidence evaluating an impact on protein function. The most pronounced variant effect resulted in approximately 21.27% of normal chloride channel conductance relative to wild type (example, Bihler_2024) however other laboratories have observed different results in other cell lines (example, Hatton_2022). The following publications have been ascertained in the context of this evaluation (PMID: 38388235, 27026144, 10875853, 14551163, 29589582, 34949556, 17003641, 25033378, 10376575, 26354092, 24451227, 33919435, 32773111, 11796591, 24697796, 25735457, 34782259, 31310009, 34996830, 20977904, 31682332, 30420236, 33322690, 16840743, No_PMID). ClinVar contains an entry for this variant (Variation ID: 53579). Based on the evidence outlined above, the variant was classified as pathogenic.

Blueprint Genetics
Classification: Uncertain significance. Last evaluated: 2024-01-08. Review status: criteria provided, single submitter. Criteria: ACMG Guidelines, 2015. Collection method: clinical testing. Allele origin: germline. Not counted in ClinVar's aggregate classification.